The following is an entry in ClinVar:

NM_000359.3(TGM1):c.430G>C (p.Gly144Arg)

Gene: TGM1 (transglutaminase 1; minus strand). Cytogenetic location: 14q12.
Variant type: single nucleotide variant.
Coding change: c.430G>C on transcript NM_000359.3 (MANE Select); coding-DNA position 430, G replaced by C.
Protein change: p.Gly144Arg; replaces glycine 144 with arginine.
Molecular consequence: missense variant.
Genome position (GRCh38, 1-based): chr14:24,261,773, C>G on the plus strand (G>C on the coding strand, the complement: TGM1 is on the minus strand). VCF-style: chr14-24261773-C-G. GRCh37 (hg19) VCF-style: chr14-24730979-C-G.
Other names: short protein forms G144R.
Identifiers: ClinVar variation 1413628 (VCV001413628.6), dbSNP rs778635368, ClinGen allele CA389277853.
Genomic context (GRCh38, chr14:24,261,773, plus strand): 5'-TGATGCGATCAGAGGATTCATAGGTCCGGGACAGGAGGAGGAGCATATGGAAAGGCTGCC[C>G]GCGGCGCACTATCAGCTCGTCGTACTCATACTCGTCTGTGTGGTGCTCTCGGCGGTTCTG-3'
Protein context (NP_000350.1, residues 134-154): YEYDELIVRR[Gly144Arg]QPFHMLLLLS

ClinVar aggregate classification (germline): Pathogenic (1 of 4 stars; one submission).

Submission:

Labcorp Genetics (formerly Invitae), Labcorp
Classification: Pathogenic. Last evaluated: 2021-08-25. Review status: criteria provided, single submitter. Criteria: Invitae Variant Classification Sherloc (09022015). Collection method: clinical testing. Allele origin: germline.
Comment: For these reasons, this variant has been classified as Pathogenic. Advanced modeling of protein sequence and biophysical properties (such as structural, functional, and spatial information, amino acid conservation, physicochemical variation, residue mobility, and thermodynamic stability) performed at Invitae indicates that this missense variant is expected to disrupt TGM1 protein function. This missense change has been observed in individual(s) with autosomal recessive congenital ichthyosis (PMID: 9545389, 21895619). In at least one individual the data is consistent with the variant being in trans (on the opposite chromosome) from a pathogenic variant. This variant is not present in population databases (ExAC no frequency). This sequence change replaces glycine with arginine at codon 144 of the TGM1 protein (p.Gly144Arg). The glycine residue is highly conserved and there is a moderate physicochemical difference between glycine and arginine.

Literature cited by the submitters: PubMed 9545389; PubMed 21895619.